The following is an entry in ClinVar:

NM_000038.6(APC):c.3805dup (p.Ile1269fs)

Gene: APC (APC regulator of Wnt signaling pathway; plus strand). Cytogenetic location: 5q22.2.
Variant type: Duplication.
Coding change: c.3805dup on transcript NM_000038.6 (MANE Select); coding-DNA position 3805, one base duplicated (A; older notation c.3805dupA).
Protein change: p.Ile1269fs; shifts the reading frame from isoleucine 1269.
Molecular consequence: frameshift variant.
Genome position (GRCh38, 1-based): chr5:112,839,399, A duplicated; the last of 2 consecutive A bases (chr5:112,839,398-112,839,399); duplicating either gives the same sequence. VCF-style (leftmost placement, unchanged base first): chr5-112839397-C-CA. GRCh37 (hg19) VCF-style: chr5-112175094-C-CA.
Other names: c.3805dup, p.Ile1269fs (NM_001127510.3, NM_001354895.2); c.3751dup, p.Ile1251fs (NM_001127511.3); c.3859dup, p.Ile1287fs (NM_001354896.2); c.3835dup, p.Ile1279fs (NM_001354897.2); c.3730dup, p.Ile1244fs (NM_001354898.2); c.3721dup, p.Ile1241fs (NM_001354899.2); c.3682dup, p.Ile1228fs (NM_001354900.2); c.3628dup, p.Ile1210fs (NM_001354901.2); and 5 more; short protein forms I1241fs, I1244fs, I1251fs, I1143fs, I1168fs, I1287fs, I1109fs, I1228fs.
Identifiers: ClinVar variation 824241 (VCV000824241.4), dbSNP rs1580640350, ClinGen allele CA915943483.

ClinVar aggregate classification (germline): Pathogenic (1 of 4 stars; one submission).

Conditions:
Hereditary cancer-predisposing syndrome. Also called: Neoplastic Syndromes, Hereditary; Tumor predisposition; Hereditary neoplastic syndrome; Hereditary Cancer Syndrome. Identifiers: Orphanet 140162, MedGen C0027672, MeSH D009386, MONDO:0015356.

Submission:

Ambry Genetics
Classification: Pathogenic for Hereditary cancer-predisposing syndrome. Last evaluated: 2017-12-29. Review status: criteria provided, single submitter. Criteria: Ambry Variant Classification Scheme 2023. Collection method: clinical testing. Allele origin: germline.
Comment: The c.3805dupA pathogenic mutation, located in coding exon 15 of the APC gene, results from a duplication of A at nucleotide position 3805, causing a translational frameshift with a predicted alternate stop codon (p.I1269Nfs*7). This alteration is expected to result in loss of function by premature protein truncation. As such, this alteration is interpreted as a disease-causing mutation.